The following is an entry in ClinVar:

ClinVar aggregate classification (germline): Likely benign (1 of 4 stars; one submission).

Submission:

CeGaT Center for Human Genetics Tuebingen
Classification: Likely benign. Last evaluated: 2023-08-01. Review status: criteria provided, single submitter. Criteria: CeGaT Center For Human Genetics Tuebingen Variant Classification Criteria Version 2. Collection method: clinical testing. Allele origin: germline. Affected: yes. Observed: 1 variant allele.
Comment: NLRP2: PM2:Supporting, BP4, BP7

NM_017852.5(NLRP2):c.2238C>T (p.Asn746=)

Gene: NLRP2 (NLR family pyrin domain containing 2; plus strand). Cytogenetic location: 19q13.42.
Variant type: single nucleotide variant.
Coding change: c.2238C>T on transcript NM_017852.5 (MANE Select); coding-DNA position 2238, C replaced by T.
Protein change: p.Asn746=; no amino-acid change (asparagine 746 retained).
Molecular consequence: synonymous variant. On other transcripts: non-coding transcript variant (1).
Genome position (GRCh38, 1-based): chr19:54,986,187, C>T. VCF-style: chr19-54986187-C-T. GRCh37 (hg19) VCF-style: chr19-55497555-C-T.
Other names: c.2238C>T, p.Asn746= (NM_001174081.3); c.2172C>T, p.Asn724= (NM_001174082.3); c.2169C>T, p.Asn723= (NM_001174083.2); c.2229C>T, p.Asn743= (NM_001348003.2).
Identifiers: ClinVar variation 2650503 (VCV002650503.24), dbSNP rs2516642467, ClinGen allele CA2695201370.